The following is an entry in ClinVar:

ClinVar aggregate classification (germline): Uncertain significance. Review status: criteria provided, multiple submitters, no conflicts (2 of 4 stars). 3 submissions from 3 submitters: Uncertain significance (3). Last evaluated 2025-10-21.

Conditions:
Inborn genetic diseases. Identifiers: MedGen C0950123, MeSH D030342.

Allele frequency attached by ClinVar (database versions not stated): 1000 Genomes Project 30x 0.00016; gnomAD exomes 0.00018 and 0.00005; ExAC 0.00018; 1000 Genomes Project 0.00020; gnomAD 0.00004; TOPMed 0.00006.
gnomAD v4.1: 31 of 1,557,434 alleles (0.002%); highest among the groups gnomAD compares: Admixed American, 0.06%; no homozygotes.

Submissions (3):

Ambry Genetics
Classification: Uncertain significance for Inborn genetic diseases. Last evaluated: 2025-10-21. Review status: criteria provided, single submitter. Criteria: Ambry Variant Classification Scheme 2023. Collection method: clinical testing. Allele origin: germline.

Labcorp Genetics (formerly Invitae), Labcorp
Classification: Uncertain significance. Last evaluated: 2020-12-13. Review status: criteria provided, single submitter. Criteria: Invitae Variant Classification Sherloc (09022015). Collection method: clinical testing. Allele origin: germline.
Comment: In summary, the available evidence is currently insufficient to determine the role of this variant in disease. Therefore, it has been classified as a Variant of Uncertain Significance. Algorithms developed to predict the effect of missense changes on protein structure and function do not agree on the potential impact of this missense change (SIFT: "Tolerated"; PolyPhen-2: "Possibly Damaging"; Align-GVGD: "Class C0"). This variant has not been reported in the literature in individuals with HSPG2-related disease. This variant is present in population databases (rs529950403, ExAC 0.8%). This sequence change replaces glutamine with arginine at codon 3407 of the HSPG2 protein (p.Gln3407Arg). The glutamine residue is moderately conserved and there is a small physicochemical difference between glutamine and arginine.

Revvity Omics, Revvity
Classification: Uncertain significance. Last evaluated: 2020-03-15. Review status: criteria provided, single submitter. Criteria: ACMG Guidelines, 2015. Collection method: clinical testing. Allele origin: germline.

NM_005529.7(HSPG2):c.10220A>G (p.Gln3407Arg)

Gene: HSPG2 (heparan sulfate proteoglycan 2; minus strand). Cytogenetic location: 1p36.12.
Variant type: single nucleotide variant.
Coding change: c.10220A>G on transcript NM_005529.7 (MANE Select); coding-DNA position 10220, A replaced by G.
Protein change: p.Gln3407Arg; replaces glutamine 3407 with arginine.
Molecular consequence: missense variant.
Genome position (GRCh38, 1-based): chr1:21,836,937, T>C on the plus strand (A>G on the coding strand, the complement: HSPG2 is on the minus strand). VCF-style: chr1-21836937-T-C. GRCh37 (hg19) VCF-style: chr1-22163430-T-C.
Other names: c.10220A>G (NM_005529.5); c.10223A>G, p.Gln3408Arg (NM_001291860.2); short protein forms Q3407R, Q3408R.
Identifiers: ClinVar variation 1037009 (VCV001037009.10), dbSNP rs529950403, ClinGen allele CA670191.